The following is an entry in ClinVar:

NM_000138.5(FBN1):c.5695del (p.Ala1899fs)

Gene: FBN1 (fibrillin 1; minus strand). Cytogenetic location: 15q21.1.
Variant type: Deletion.
Coding change: c.5695del on transcript NM_000138.5 (MANE Select); coding-DNA position 5695, one base deleted (G; older notation c.5695delG).
Protein change: p.Ala1899fs; shifts the reading frame from alanine 1899.
Molecular consequence: frameshift variant.
Genome position (GRCh38, 1-based): chr15:48,446,799, C deleted on the plus strand (G on the coding strand, the reverse complement: FBN1 is on the minus strand). VCF-style (leftmost placement, unchanged base first): chr15-48446798-GC-G. GRCh37 (hg19) VCF-style: chr15-48738995-GC-G.
Other names: short protein forms A1899fs.
Identifiers: ClinVar variation 946460 (VCV000946460.3), dbSNP rs2043163540, ClinGen allele CA1139663932.

ClinVar aggregate classification (germline): Pathogenic (1 of 4 stars; one submission).

Conditions:
Familial thoracic aortic aneurysm and aortic dissection (TAAD). Also called: Thoracic aortic aneurysms and dissections. Identifiers: Orphanet 91387, MedGen C4707243, MONDO:0019625.
Marfan syndrome (MFS). Also called: Marfan syndrome, classic; Marfan syndrome type 1; Marfan's syndrome; FBN1-Related Marfan Syndrome; MARFAN SYNDROME, TYPE I. Identifiers: Orphanet 284963, Orphanet 558, MedGen C0024796, MONDO:0007947, OMIM 154700.

Submission:

Labcorp Genetics (formerly Invitae), Labcorp
Classification: Pathogenic for Marfan syndrome; Familial thoracic aortic aneurysm and aortic dissection. Last evaluated: 2019-07-28. Review status: criteria provided, single submitter. Criteria: Invitae Variant Classification Sherloc (09022015). Collection method: clinical testing. Allele origin: germline.
Comment: This sequence change creates a premature translational stop signal (p.Ala1899Profs*31) in the FBN1 gene. It is expected to result in an absent or disrupted protein product. This variant is not present in population databases (ExAC no frequency). This variant has not been reported in the literature in individuals with FBN1-related conditions. Loss-of-function variants in FBN1 are known to be pathogenic (PMID: 17657824, 19293843). For these reasons, this variant has been classified as Pathogenic.

Literature cited by the submitters: PubMed 17657824; PubMed 19293843.